The following is an entry in ClinVar:

NM_001257180.2(SLC20A2):c.1198G>A (p.Ala400Thr)

Gene: SLC20A2 (solute carrier family 20 member 2; minus strand). Cytogenetic location: 8p11.21.
Variant type: single nucleotide variant.
Coding change: c.1198G>A on transcript NM_001257180.2 (MANE Select); coding-DNA position 1198, G replaced by A.
Protein change: p.Ala400Thr; replaces alanine 400 with threonine.
Molecular consequence: missense variant.
Genome position (GRCh38, 1-based): chr8:42,437,314, C>T on the plus strand (G>A on the coding strand, the complement: SLC20A2 is on the minus strand). VCF-style: chr8-42437314-C-T. GRCh37 (hg19) VCF-style: chr8-42294832-C-T.
Other names: c.1198G>A (NM_001257180.1); c.1198G>A, p.Ala400Thr (NM_001257181.2, NM_006749.5); short protein forms A400T.
Identifiers: ClinVar variation 734004 (VCV000734004.11), dbSNP rs116194858, ClinGen allele CA4733366.

ClinVar aggregate classification (germline): Benign/Likely benign. Review status: criteria provided, multiple submitters, no conflicts (2 of 4 stars). 3 submissions from 3 submitters: Benign (1); Likely benign (1). 1 of the submissions does not count toward it. Last evaluated 2026-01-05.

Conditions:
SLC20A2-related disorder. Also called: SLC20A2-related condition.

Allele frequency attached by ClinVar (database versions not stated): 1000 Genomes Project 30x 0.00062; TOPMed 0.00077; 1000 Genomes Project 0.00080; gnomAD 0.00084 and 0.00096; ESP Exome Variant Server 0.00100.
gnomAD v4.1: 239 of 1,614,198 alleles (0.015%); highest among the groups gnomAD compares: African/African-American, 0.29%; 1 homozygote.

Submissions (3):

Labcorp Genetics (formerly Invitae), Labcorp
Classification: Likely benign. Last evaluated: 2026-01-05. Review status: criteria provided, single submitter. Criteria: Invitae Variant Classification Sherloc (09022015). Collection method: clinical testing. Allele origin: germline.

GeneDx
Classification: Benign. Last evaluated: 2019-06-05. Review status: criteria provided, single submitter. Criteria: GeneDx Variant Classification Process June 2021. Collection method: clinical testing. Allele origin: germline. Affected: yes.

PreventionGenetics, part of Exact Sciences
Classification: Likely benign for SLC20A2-related condition. Last evaluated: 2024-05-21. Review status: no assertion criteria provided. Collection method: clinical testing. Allele origin: germline. Not counted in ClinVar's aggregate classification.
Comment: This variant is classified as likely benign based on ACMG/AMP sequence variant interpretation guidelines (Richards et al. 2015 PMID: 25741868, with internal and published modifications).